The following is an entry in ClinVar:

ClinVar aggregate classification (germline): Uncertain significance (1 of 4 stars; one submission).

Conditions:
Beta-D-mannosidosis (MANSB). Also called: Beta-Mannosidosis; MANNOSIDOSIS, BETA A, LYSOSOMAL; BETA-MANNOSIDASE DEFICIENCY; LYSOSOMAL BETA-MANNOSIDASE DEFICIENCY. Identifiers: Orphanet 118, MedGen C4048196, MONDO:0009562, OMIM 248510.

Allele frequency attached by ClinVar (database versions not stated): TOPMed 0.00001; gnomAD 0.00001; gnomAD exomes 0.00001.
gnomAD v4.1: 19 of 1,613,652 alleles (0.0012%); highest among the groups gnomAD compares: Non-Finnish European, 0.0016%; no homozygotes.

Submission:

Labcorp Genetics (formerly Invitae), Labcorp
Classification: Uncertain significance for Beta-D-mannosidosis. Last evaluated: 2021-09-01. Review status: criteria provided, single submitter. Criteria: Invitae Variant Classification Sherloc (09022015). Collection method: clinical testing. Allele origin: germline.
Comment: This sequence change replaces isoleucine with asparagine at codon 537 of the MANBA protein (p.Ile537Asn). The isoleucine residue is weakly conserved and there is a large physicochemical difference between isoleucine and asparagine. This variant is present in population databases (rs558710124, ExAC 0.003%). This variant has not been reported in the literature in individuals affected with MANBA-related conditions. Algorithms developed to predict the effect of missense changes on protein structure and function (SIFT, PolyPhen-2, Align-GVGD) all suggest that this variant is likely to be tolerated. In summary, the available evidence is currently insufficient to determine the role of this variant in disease. Therefore, it has been classified as a Variant of Uncertain Significance.

NM_005908.4(MANBA):c.1610T>A (p.Ile537Asn)

Gene: MANBA (mannosidase beta; minus strand). Cytogenetic location: 4q24.
Variant type: single nucleotide variant.
Coding change: c.1610T>A on transcript NM_005908.4 (MANE Select); coding-DNA position 1610, T replaced by A.
Protein change: p.Ile537Asn; replaces isoleucine 537 with asparagine.
Molecular consequence: missense variant.
Genome position (GRCh38, 1-based): chr4:102,657,776, A>T on the plus strand (T>A on the coding strand, the complement: MANBA is on the minus strand). VCF-style: chr4-102657776-A-T. GRCh37 (hg19) VCF-style: chr4-103578933-A-T.
Other names: short protein forms I537N.
Identifiers: ClinVar variation 1475363 (VCV001475363.5), dbSNP rs558710124, ClinGen allele CA3026852.